The following is an entry in ClinVar:

NM_001754.5(RUNX1):c.528del (p.Ile177fs)

Genes: RUNX1 (RUNX family transcription factor 1; minus strand), RUNX1-AS1 (RUNX1 antisense RNA 1; plus strand). Cytogenetic location: 21q22.12.
Variant type: Deletion.
Coding change: c.528del on transcript NM_001754.5 (MANE Select); coding-DNA position 528, one base deleted (C; older notation c.528delC).
Protein change: p.Ile177fs; shifts the reading frame from isoleucine 177.
Molecular consequence: frameshift variant.
Genome position (GRCh38, 1-based): chr21:34,859,559, G deleted on the plus strand (C on the coding strand, the reverse complement: RUNX1 is on the minus strand); the first of 2 consecutive G bases (chr21:34,859,559-34,859,560); deleting either gives the same sequence. VCF-style (leftmost placement, unchanged base first): chr21-34859558-TG-T. GRCh37 (hg19) VCF-style: chr21-36231855-TG-T.
Other names: NM_001754.5(RUNX1):c.528del; p.Ile177fs; c.447del, p.Ile150fs (NM_001001890.3, NM_001122607.2); short protein forms I177fs, I150fs.
Identifiers: ClinVar variation 2717092 (VCV002717092.4), dbSNP rs2517274485, ClinGen allele CA2697547494.

ClinVar aggregate classification (germline): Pathogenic. Review status: reviewed by expert panel (3 of 4 stars). 2 submissions from 2 submitters: Pathogenic (1). 1 of the submissions does not count toward it. Last evaluated 2025-01-15.

Conditions:
Hereditary thrombocytopenia and hematological cancer predisposition syndrome associated with RUNX1. Also called: Familial Platelet Disorder with Propensity to Acute Myelogenous Leukemia; Familial thrombocytopenia with propensity to acute myelogenous leukemia; PLATELET DISORDER, ASPIRIN-LIKE; RUNX1 Familial Platelet Disorder with Associated Myeloid Malignancies. Identifiers: Orphanet 71290, MedGen C1832388, MeSH C563324, MONDO:0100083, OMIM 601399.
Hereditary thrombocytopenia and hematologic cancer predisposition syndrome. Identifiers: Orphanet 71290, MedGen CN281654, MONDO:0011071.

Submissions (2):

ClinGen Myeloid Malignancy Variant Curation Expert Panel
Classification: Pathogenic for Hereditary thrombocytopenia and hematologic cancer predisposition syndrome. Last evaluated: 2025-01-15. Review status: reviewed by expert panel. Criteria: ClinGen MyeloMalig ACMG Specifications v2. Collection method: curation. Allele origin: germline. Inheritance: Autosomal dominant inheritance.
Comment: NM_001754.5(RUNX1):c.528del (p.Ile177SerfsTer34) is a frameshift variant. The single-base deletion c.528del creates a (-1) frameshift downstream of c.98 (PM5_supporting), leading to a premature stop codon and resulting in a predicted null variant, p.Ile177Serfs*34 (PVS1). This variant is absent from the population database gnomAD v3 (PM2_supporting). There are no confirmed germline cases or functional evidence reported in the literature. In summary, this variant meets criteria to be classified as pathogenic. ACMG/AMP criteria applied, as specified by the Myeloid Malignancy Variant Curation Expert Panel for RUNX1: PVS1, PM5_supporting, PM2_supporting.

Labcorp Genetics (formerly Invitae), Labcorp
Classification: Pathogenic for Hereditary thrombocytopenia and hematological cancer predisposition syndrome associated with RUNX1. Last evaluated: 2023-07-07. Review status: criteria provided, single submitter. Criteria: Invitae Variant Classification Sherloc (09022015). Collection method: clinical testing. Allele origin: germline. Not counted in ClinVar's aggregate classification.
Comment: This sequence change creates a premature translational stop signal (p.Ile177Serfs*34) in the RUNX1 gene. It is expected to result in an absent or disrupted protein product. Loss-of-function variants in RUNX1 are known to be pathogenic (PMID: 18723428, 24100448). This variant is not present in population databases (gnomAD no frequency). This variant has not been reported in the literature in individuals affected with RUNX1-related conditions. For these reasons, this variant has been classified as Pathogenic.

Literature cited by the submitters: PubMed 18723428 (cited by Labcorp Genetics (formerly Invitae), Labcorp); PubMed 24100448 (cited by Labcorp Genetics (formerly Invitae), Labcorp).